The following is an entry in ClinVar:

ClinVar aggregate classification (germline): Likely benign (1 of 4 stars; one submission).

Conditions:
LRP5-related disorder. Also called: LRP5-related condition.

gnomAD v4.1: 31 of 1,531,652 alleles (0.002%); highest among the groups gnomAD compares: Non-Finnish European, 0.0027%; no homozygotes.

Submission:

PreventionGenetics, part of Exact Sciences
Classification: Likely benign for LRP5-related condition. Last evaluated: 2025-02-27. Review status: criteria provided, single submitter. Criteria: ACMG Guidelines, 2015. Collection method: clinical testing. Allele origin: germline.
Comment: This variant is classified as likely benign based on ACMG/AMP sequence variant interpretation guidelines (Richards et al. 2015 PMID: 25741868, with internal and published modifications).

NM_002335.4(LRP5):c.*8C>A

Gene: LRP5 (LDL receptor related protein 5; plus strand). Cytogenetic location: 11q13.2.
Variant type: single nucleotide variant.
Coding change: c.*8C>A on transcript NM_002335.4 (MANE Select); 8 bases downstream of the stop codon, C replaced by A.
Molecular consequence: 3 prime UTR variant.
Genome position (GRCh38, 1-based): chr11:68,449,078, C>A. VCF-style: chr11-68449078-C-A. GRCh37 (hg19) VCF-style: chr11-68216546-C-A.
Other names: c.*8C>A (NM_001291902.2).
Identifiers: ClinVar variation 2635658 (VCV002635658.2), dbSNP rs758348649, ClinGen allele CA599956261.